The following is an entry in ClinVar:

ClinVar aggregate classification (germline): Pathogenic. Review status: criteria provided, single submitter (1 of 4 stars). 2 submissions from 2 submitters: Pathogenic (1). 1 of the submissions does not count toward it.

Conditions:
Dent disease type 1 (DENT1). Also called: NEPHROLITHIASIS 2; NEPHROLITHIASIS, HYPERCALCIURIC, X-LINKED. Identifiers: Orphanet 1652, Orphanet 93622, MedGen C1848336, MONDO:0010225, OMIM 300009.

Submissions (2):

Lifecell International Pvt. Ltd
Classification: Pathogenic for Dent disease type 1. Review status: criteria provided, single submitter. Criteria: ACMG Guidelines, 2015. Collection method: clinical testing. Allele origin: germline. Inheritance: X-linked recessive inheritance. Affected: yes. Observed: 1 hemizygote.
Comment: A Hemizygote, Splice site donor variant c.1347+1G>T in Exon 8 of the CLCN5 gene that results in the amino acid substitution was identified. The observed variant is novel in gnomAD exomes. The severity of the impact of this variant on the protein is high, based on the effect of the protein and REVEL score . Rare Exome Variant Ensemble Learner (REVEL) is an ensembl method for predicting the pathogenicity of missense variants based on a combination of scores from 13 individual tools: MutPred, FATHMM v2.3, VEST 3.0, PolyPhen-2, SIFT, PROVEAN, MutationAssessor, MutationTaster, LRT, GERP++, SiPhy, phyloP, and phastCons. The REVEL score for an individual missense variant can range from 0 to 1, with higher scores reflecting greater likelihood that the variant is disease-causing. ClinVar has also classified this variant as Pathogenic (Variant ID: 18451). This variant has been previous reported in association with Dent disease by Tosetto E et al., 2009. Based on the above evidence this variant has been classified as Pathogenic according to the ACMG guidelines.

OMIM
Classification: Pathogenic for DENT DISEASE 1. Last evaluated: 2009-10-01. Review status: no assertion criteria provided. Collection method: literature only. Allele origin: germline. Not counted in ClinVar's aggregate classification.

Literature cited by the submitters: PubMed 19673950 (cited by Lifecell International Pvt. Ltd and OMIM).

NM_001127898.4(CLCN5):c.1557+1G>T

Gene: CLCN5 (Cl-/H+ antiporter 5; plus strand). Cytogenetic location: Xp11.23.
Variant type: single nucleotide variant.
Coding change: c.1557+1G>T on transcript NM_001127898.4 (MANE Select); the canonical splice donor site of the intron after coding-DNA position 1557, G replaced by T.
Molecular consequence: splice donor variant.
Genome position (GRCh38, 1-based): chrX:50,086,871, G>T. VCF-style: chrX-50086871-G-T. GRCh37 (hg19) VCF-style: chrX-49851528-G-T.
Other names: IVS8DS, G-T, +1; c.1557+1G>T (NM_001127899.4); c.1347+1G>T (NM_000084.5); c.1407+1G>T (NM_001282163.2).
Identifiers: ClinVar variation 18451 (VCV000018451.4), dbSNP rs1569540382, ClinGen allele CA413186646.
Genomic context (GRCh38, chrX:50,086,871, plus strand): 5'-CAGCTGGCTTTAACACTCATACTGAAAATTGTCATTACTATATTCACCTTTGGCATGAAG[G>T]TGAGGAATTCTTTTGGGACTCAGTGGCTGCATGCGTAGCTGTGGGTTTTGGAGGGCAGAG-3'